The following is an entry in ClinVar:

ClinVar aggregate classification (germline): Uncertain significance. Review status: criteria provided, multiple submitters, no conflicts (2 of 4 stars). 4 submissions from 4 submitters: Uncertain significance (4). Last evaluated 2025-07-15.

Conditions:
Familial focal epilepsy with variable foci (FPEVF). Identifiers: Orphanet 98820, MedGen C1858477, MONDO:0020310.
Epilepsy, familial focal, with variable foci 1 (FFEVF1). Also called: DEPDC5-Related Epilepsy. Identifiers: MedGen C4551983, MONDO:0024556, OMIM 604364.

Allele frequency attached by ClinVar (database versions not stated): ExAC 0.00001; gnomAD exomes 0.00002 and 0.00003; TOPMed 0.00004; gnomAD 0.00006.
gnomAD v4.1: 61 of 1,610,360 alleles (0.0038%); highest among the groups gnomAD compares: Non-Finnish European, 0.0042%; no homozygotes.

Submissions (4):

Labcorp Genetics (formerly Invitae), Labcorp
Classification: Uncertain significance for Familial focal epilepsy with variable foci. Last evaluated: 2025-07-15. Review status: criteria provided, single submitter. Criteria: Invitae Variant Classification Sherloc (09022015). Collection method: clinical testing. Allele origin: germline.
Comment: This sequence change replaces alanine, which is neutral and non-polar, with threonine, which is neutral and polar, at codon 1208 of the DEPDC5 protein (p.Ala1208Thr). This variant is present in population databases (rs748662185, gnomAD 0.003%). This variant has not been reported in the literature in individuals affected with DEPDC5-related conditions. ClinVar contains an entry for this variant (Variation ID: 809353). Experimental studies and prediction algorithms are not available or were not evaluated, and the functional significance of this variant is currently unknown. In summary, the available evidence is currently insufficient to determine the role of this variant in disease. Therefore, it has been classified as a Variant of Uncertain Significance.

Women's Health and Genetics/Laboratory Corporation of America, LabCorp
Classification: Uncertain significance. Last evaluated: 2024-12-10. Review status: criteria provided, single submitter. Criteria: LabCorp Variant Classification Summary - May 2015. Collection method: clinical testing. Allele origin: germline.
Comment: Variant summary: DEPDC5 c.3622G>A (p.Ala1208Thr) results in a non-conservative amino acid change in the encoded protein sequence. Three of five in-silico tools predict a damaging effect of the variant on protein function. The variant allele was found at a frequency of 1.7e-05 in 241900 control chromosomes. The available data on variant occurrences in the general population are insufficient to allow any conclusion about variant significance. To our knowledge, no occurrence of c.3622G>A in individuals affected with Epilepsy, Familial Focal, With Variable Foci 1 and no experimental evidence demonstrating its impact on protein function have been reported. ClinVar contains an entry for this variant (Variation ID: 809353). Based on the evidence outlined above, the variant was classified as uncertain significance.

Pittsburgh Clinical Genomics Laboratory, University of Pittsburgh Medical Center
Classification: Uncertain significance for Epilepsy, familial focal, with variable foci 1. Last evaluated: 2023-07-05. Review status: criteria provided, single submitter. Criteria: ACMG Guidelines, 2015. Collection method: clinical testing. Allele origin: germline. Inheritance: Autosomal dominant inheritance. Affected: yes.
Comment: This sequence variant is a single nucleotide substitution (G>A) at position 3622 of the coding sequence of the DEPDC5 gene that results in an alanine to threonine amino acid change at residue 1208 of the DEP domain containing 5, GATOR1 subcomplex subunit protein. The 1208 residue falls in the DEP domain which plays an important role in the regulation of sigl transduction by DEPDC5 (Uniprot). This is a previously reported variant (ClinVar 809353) that has not been observed in the literature in individuals with DEPDC5-related illness, to our knowledge. This variant is present in 4 of 241900 alleles (0.0017%) in the gnomAD population dataset. Bioinformatic tools produce mixed predictions as to whether this variant would be tolerated or damaging, and the Ala1208 residue at this position is highly conserved across the vertebrate species examined. Studies examining the functiol consequence of this variant have not been performed, to our knowledge. At this time, there is insufficient evidence to determine if this variant is pathogenic or benign. Therefore, we consider this to be a variant of uncertain significance. ACMG Criteria: BP1, PM2

CeGaT Center for Human Genetics Tuebingen
Classification: Uncertain significance. Last evaluated: 2016-05-01. Review status: criteria provided, single submitter. Criteria: CeGaT Center For Human Genetics Tuebingen Variant Classification Criteria Version 2. Collection method: clinical testing. Allele origin: germline. Affected: yes. Observed: 1 variant allele.

NM_001242896.3(DEPDC5):c.3622G>A (p.Ala1208Thr)

Gene: DEPDC5 (DEP domain containing 5, GATOR1 subcomplex subunit; plus strand). Cytogenetic location: 22q12.3.
Variant type: single nucleotide variant.
Coding change: c.3622G>A on transcript NM_001242896.3 (MANE Select); coding-DNA position 3622, G replaced by A.
Protein change: p.Ala1208Thr; replaces alanine 1208 with threonine.
Molecular consequence: missense variant. On other transcripts: non-coding transcript variant (4).
Genome position (GRCh38, 1-based): chr22:31,874,331, G>A. VCF-style: chr22-31874331-G-A. GRCh37 (hg19) VCF-style: chr22-32270317-G-A.
Other names: c.3595G>A, p.Ala1199Thr (NM_001136029.4); c.3322G>A, p.Ala1108Thr (NM_001242897.2); c.3556G>A, p.Ala1186Thr (NM_001363852.2, NM_001364320.2); c.3388G>A, p.Ala1130Thr (NM_001363854.2, NM_001364319.2); c.3622G>A, p.Ala1208Thr (NM_001364318.2); c.3538G>A, p.Ala1180Thr (NM_001369901.1, NM_001369902.1); c.3529G>A, p.Ala1177Thr (NM_001369903.1, NM_014662.6); short protein forms A1130T, A1177T, A1180T, A1186T, A1199T, A1108T, A1208T.
Identifiers: ClinVar variation 809353 (VCV000809353.50), dbSNP rs748662185, ClinGen allele CA10197045.